The following is an entry in ClinVar:

NM_000639.3(FASLG):c.278C>T (p.Ala93Val)

Gene: FASLG (Fas ligand; plus strand). Cytogenetic location: 1q24.3.
Variant type: single nucleotide variant.
Coding change: c.278C>T on transcript NM_000639.3 (MANE Select); coding-DNA position 278, C replaced by T.
Protein change: p.Ala93Val; replaces alanine 93 with valine.
Molecular consequence: missense variant.
Genome position (GRCh38, 1-based): chr1:172,659,479, C>T. VCF-style: chr1-172659479-C-T. GRCh37 (hg19) VCF-style: chr1-172628619-C-T.
Other names: c.278C>T, p.Ala93Val (NM_001302746.2); short protein forms A93V.
Identifiers: ClinVar variation 293734 (VCV000293734.13), dbSNP rs758796005, ClinGen allele CA1247494.

ClinVar aggregate classification (germline): Conflicting classifications of pathogenicity. Review status: criteria provided, conflicting classifications (1 of 4 stars). 4 submissions from 4 submitters: Uncertain significance (3); Likely benign (1). Last evaluated 2025-05-30.

Conditions:
FASLG-Related Autoimmune Lymphoproliferative Syndrome (ALPS1B). Also called: AUTOIMMUNE LYMPHOPROLIFERATIVE SYNDROME, TYPE IB. Identifiers: MedGen C1866120.
FASLG-related disorder. Also called: FASLG-related condition.
Autoimmune lymphoproliferative syndrome type 1. Also called: AUTOIMMUNE LYMPHOPROLIFERATIVE SYNDROME, TYPE I, AUTOSOMAL DOMINANT. Identifiers: Orphanet 3261, MedGen C2717884, MONDO:0011158, OMIM 601859.

Allele frequency attached by ClinVar (database versions not stated): ExAC 0.00003; gnomAD exomes 0.00003 and 0.00005; gnomAD 0.00005; TOPMed 0.00005.
gnomAD v4.1: 80 of 1,613,954 alleles (0.005%); highest among the groups gnomAD compares: Non-Finnish European, 0.0063%; no homozygotes.

Submissions (4):

PreventionGenetics, part of Exact Sciences
Classification: Uncertain significance for FASLG-related condition. Last evaluated: 2025-05-30. Review status: criteria provided, single submitter. Criteria: ACMG Guidelines, 2015. Collection method: clinical testing. Allele origin: germline.
Comment: The FASLG c.278C>T variant is predicted to result in the amino acid substitution p.Ala93Val. To our knowledge, this variant has not been reported in the literature. This variant is reported in 0.0062% of alleles in individuals of European (Non-Finnish) descent in gnomAD. At this time, the clinical significance of this variant is uncertain due to the absence of conclusive functional and genetic evidence.

Labcorp Genetics (formerly Invitae), Labcorp
Classification: Uncertain significance for Autoimmune lymphoproliferative syndrome. Last evaluated: 2024-12-06. Review status: criteria provided, single submitter. Criteria: Invitae Variant Classification Sherloc (09022015). Collection method: clinical testing. Allele origin: germline.
Comment: This sequence change replaces alanine, which is neutral and non-polar, with valine, which is neutral and non-polar, at codon 93 of the FASLG protein (p.Ala93Val). This variant is present in population databases (rs758796005, gnomAD 0.006%). This variant has not been reported in the literature in individuals affected with FASLG-related conditions. ClinVar contains an entry for this variant (Variation ID: 293734). Invitae Evidence Modeling of protein sequence and biophysical properties (such as structural, functional, and spatial information, amino acid conservation, physicochemical variation, residue mobility, and thermodynamic stability) indicates that this missense variant is not expected to disrupt FASLG protein function with a negative predictive value of 80%. Algorithms developed to predict the effect of sequence changes on RNA splicing suggest that this variant may create or strengthen a splice site. In summary, the available evidence is currently insufficient to determine the role of this variant in disease. Therefore, it has been classified as a Variant of Uncertain Significance.

Ambry Genetics
Classification: Uncertain significance. Last evaluated: 2024-06-10. Review status: criteria provided, single submitter. Criteria: Ambry Variant Classification Scheme 2023. Collection method: clinical testing. Allele origin: germline.

Illumina Laboratory Services, Illumina
Classification: Likely benign for Autoimmune lymphoproliferative syndrome type 1. Last evaluated: 2018-01-12. Review status: criteria provided, single submitter. Criteria: ICSL Variant Classification Criteria 13 December 2019. Collection method: clinical testing. Allele origin: germline.
Comment: This variant was observed in the ICSL laboratory as part of a predisposition screen in an ostensibly healthy population. It had not been previously curated by ICSL or reported in the Human Gene Mutation Database (HGMD: prior to June 1st, 2018), and was therefore a candidate for classification through an automated scoring system. Utilizing variant allele frequency, disease prevalence and penetrance estimates, and inheritance mode, an automated score was calculated to assess if this variant is too frequent to cause the disease. Based on the score and internal cut-off values, a variant classified as likely benign is not then subjected to further curation. The score for this variant resulted in a classification of likely benign for this disease.